The following is an entry in ClinVar:

ClinVar aggregate classification (germline): Uncertain significance (1 of 4 stars; one submission).

Conditions:
Atrial fibrillation, familial, 11 (ATFB11). Identifiers: MedGen C3279693, MONDO:0013544, OMIM 614049.
Atrial standstill 1 (ATRST1). Also called: Atrial standstill, digenic (GJA5/SCN5A); ATRIAL CARDIOMYOPATHY WITH HEART BLOCK; CARDIOMYOPATHY, FAMILIAL, WITH CONDUCTION DISTURBANCE. Identifiers: Orphanet 1344, MedGen C4551959, MONDO:0007171, OMIM 108770.

Allele frequency attached by ClinVar (database versions not stated): gnomAD exomes below 0.00001 and 0.00001; ExAC 0.00002.

Submission:

Labcorp Genetics (formerly Invitae), Labcorp
Classification: Uncertain significance for Atrial fibrillation, familial, 11; Atrial standstill 1. Last evaluated: 2026-01-12. Review status: criteria provided, single submitter. Criteria: Invitae Variant Classification Sherloc (09022015). Collection method: clinical testing. Allele origin: germline.
Comment: This sequence change creates a premature translational stop signal (p.Val258Serfs*11) in the GJA5 gene. While this is not anticipated to result in nonsense mediated decay, it is expected to disrupt the last 101 amino acid(s) of the GJA5 protein. This variant is present in population databases (rs782700948, gnomAD 0.03%). This variant has not been reported in the literature in individuals affected with GJA5-related conditions. ClinVar contains an entry for this variant (Variation ID: 1025426). Experimental studies and prediction algorithms are not available or were not evaluated, and the functional significance of this variant is currently unknown. In summary, the available evidence is currently insufficient to determine the role of this variant in disease. Therefore, it has been classified as a Variant of Uncertain Significance.

NM_181703.4(GJA5):c.771dup (p.Val258fs)

Genes: GJA5 (gap junction protein alpha 5; minus strand), LOC122128420 (Sharpr-MPRA regulatory region 3144; plus strand). Cytogenetic location: 1q21.2.
Variant type: Duplication.
Coding change: c.771dup on transcript NM_181703.4 (MANE Select); coding-DNA position 771, one base duplicated (A; older notation c.771dupA).
Protein change: p.Val258fs; shifts the reading frame from valine 258.
Molecular consequence: frameshift variant.
Genome position (GRCh38, 1-based): chr1:147,758,468, T duplicated on the plus strand (A on the coding strand, the reverse complement: GJA5 is on the minus strand). VCF-style (leftmost placement, unchanged base first): chr1-147758467-C-CT. GRCh37 (hg19) VCF-style: chr1-147230575-C-CT.
Other names: c.771dup, p.Val258fs (NM_005266.7); short protein forms V258fs.
Identifiers: ClinVar variation 1025426 (VCV001025426.6), dbSNP rs782700948, ClinGen allele CA1065712.
Genomic context (GRCh38, chr1:147,758,467, plus strand): 5'-TTCCCCCAGGGCCATTCTCCAGGCACTGATTAAAGTCGGGGGGTGGTGTGCAGCTCTGGA[C>CT]TATGCCCACAGAGGGGCCAGAAAGCTGGCACTTAGCCATGTGCTGCCGCGGTTTGACAAA-3'